The following is an entry in ClinVar:

ClinVar aggregate classification (germline): Benign/Likely benign. Review status: criteria provided, multiple submitters, no conflicts (2 of 4 stars). 15 submissions from 14 submitters: Benign (9); Likely benign (5). 1 of the submissions does not count toward it. Last evaluated 2026-02-02.

Conditions:
SGCD-related disorder. Also called: SGCD-related condition.
Inborn genetic diseases. Identifiers: MedGen C0950123, MeSH D030342.
Dilated cardiomyopathy 1L (CMD1L). Identifiers: Orphanet 154, MedGen C1847667, MONDO:0011702, OMIM 606685.
Autosomal recessive limb-girdle muscular dystrophy type 2F (LGMDR6). Also called: Muscular dystrophy limb-girdle with delta-sarcoglyan deficiency; MUSCULAR DYSTROPHY, LIMB-GIRDLE, AUTOSOMAL RECESSIVE 6. Identifiers: Orphanet 219, MedGen C1832525, MONDO:0011028, OMIM 601287. Disease mechanism: Affects gamma-sarcoglycan and also disrupts the integrity of the entire sarcoglycan complex..
Qualitative or quantitative defects of delta-sarcoglycan. Identifiers: Orphanet 207070, MedGen C5680806, MONDO:0016144.
Cardiomyopathy (CMYO). Also called: Cardiomyopathies. Identifiers: Orphanet 167848, MedGen C0878544, MONDO:0004994, HP:0001638. Inheritance: Various modes of inheritance.

Allele frequency attached by ClinVar (database versions not stated): gnomAD exomes 0.00139; ExAC 0.00400; ESP Exome Variant Server 0.00495; gnomAD 0.00635 and 0.00680; TOPMed 0.00687; 1000 Genomes Project 0.00699; 1000 Genomes Project 30x 0.00703.
gnomAD v4.1: 1,916 of 1,580,166 alleles (0.12%); highest among the groups gnomAD compares: African/African-American, 2.2%; 21 homozygotes.

Submissions (16):

Labcorp Genetics (formerly Invitae), Labcorp
Classification: Benign for Autosomal recessive limb-girdle muscular dystrophy type 2F. Last evaluated: 2026-02-02. Review status: criteria provided, single submitter. Criteria: Invitae Variant Classification Sherloc (09022015). Collection method: clinical testing. Allele origin: germline.

Athena Diagnostics
Classification: Benign. Last evaluated: 2024-08-01. Review status: criteria provided, single submitter. Criteria: Athena Diagnostics Criteria. Collection method: clinical testing. Allele origin: unknown.

Mayo Clinic Laboratories, Mayo Clinic
Classification: Benign. Last evaluated: 2024-05-02. Review status: criteria provided, single submitter. Criteria: ACMG Guidelines, 2015. Collection method: clinical testing. Allele origin: germline. Observed: 10 variant alleles.
Comment: BA1, BP4, BP7

ARUP Laboratories, Molecular Genetics and Genomics, ARUP Laboratories
Classification: Benign. Last evaluated: 2023-08-16. Review status: criteria provided, single submitter. Criteria: ARUP Molecular Germline Variant Investigation Process 2024. Collection method: clinical testing. Allele origin: germline.

Genome-Nilou Lab
Classification: Likely benign for Autosomal recessive limb-girdle muscular dystrophy type 2F. Last evaluated: 2023-02-08. Review status: criteria provided, single submitter. Criteria: ACMG Guidelines, 2015. Collection method: clinical testing. Allele origin: germline.

Genome-Nilou Lab
Classification: Likely benign for Dilated cardiomyopathy 1L. Last evaluated: 2023-02-08. Review status: criteria provided, single submitter. Criteria: ACMG Guidelines, 2015. Collection method: clinical testing. Allele origin: germline.

Ambry Genetics
Classification: Likely benign for Inborn genetic diseases. Last evaluated: 2022-05-17. Review status: criteria provided, single submitter. Criteria: Ambry Variant Classification Scheme 2023. Collection method: clinical testing. Allele origin: germline.

Fulgent Genetics
Classification: Likely benign for Autosomal recessive limb-girdle muscular dystrophy type 2F; Dilated cardiomyopathy 1L. Last evaluated: 2022-02-07. Review status: criteria provided, single submitter. Criteria: ACMG Guidelines, 2015. Collection method: clinical testing. Allele origin: unknown.

Women's Health and Genetics/Laboratory Corporation of America, LabCorp
Classification: Benign. Last evaluated: 2019-08-24. Review status: criteria provided, single submitter. Criteria: LabCorp Variant Classification Summary - May 2015. Collection method: clinical testing. Allele origin: germline.

Illumina Laboratory Services, Illumina
Classification: Benign for Qualitative or quantitative defects of delta-sarcoglycan. Last evaluated: 2018-01-13. Review status: criteria provided, single submitter. Criteria: ICSL Variant Classification Criteria 13 December 2019. Collection method: clinical testing. Allele origin: germline.
Comment: This variant was observed in the ICSL laboratory as part of a predisposition screen in an ostensibly healthy population. It had not been previously curated by ICSL or reported in the Human Gene Mutation Database (HGMD: prior to June 1st, 2018), and was therefore a candidate for classification through an automated scoring system. Utilizing variant allele frequency, disease prevalence and penetrance estimates, and inheritance mode, an automated score was calculated to assess if this variant is too frequent to cause the disease. Based on the score and internal cut-off values, a variant classified as benign is not then subjected to further curation. The score for this variant resulted in a classification of benign for this disease.

CHEO Genetics Diagnostic Laboratory, Children's Hospital of Eastern Ontario
Classification: Benign for Cardiomyopathy. Last evaluated: 2016-11-09. Review status: criteria provided, single submitter. Criteria: ACMG Guidelines, 2015. Collection method: clinical testing. Allele origin: germline. Study: Canadian Open Genetics Repository.

GeneDx
Classification: Benign. Last evaluated: 2015-03-03. Review status: criteria provided, single submitter. Criteria: GeneDx Variant Classification Process June 2021. Collection method: clinical testing. Allele origin: germline. Affected: yes.

Laboratory for Molecular Medicine, Mass General Brigham Personalized Medicine
Classification: Benign. Last evaluated: 2012-07-03. Review status: criteria provided, single submitter. Criteria: LMM Criteria. Collection method: clinical testing. Allele origin: germline. Observed: 6 variant alleles.
Comment: 1.5% (59/3856) of Afr Amer chrom from ESP

Breakthrough Genomics
Classification: Likely benign. Review status: criteria provided, single submitter. Criteria: ACMG Guidelines, 2015. Collection method: not provided. Allele origin: germline. Inheritance: Autosomal recessive inheritance. Affected: yes.

PreventionGenetics, part of Exact Sciences
Classification: Benign for SGCD-related condition. Last evaluated: 2019-05-20. Review status: no assertion criteria provided. Collection method: clinical testing. Allele origin: germline. Not counted in ClinVar's aggregate classification.
Comment: This variant is classified as benign based on ACMG/AMP sequence variant interpretation guidelines (Richards et al. 2015 PMID: 25741868, with internal and published modifications).

Dr. Peter K. Rogan Lab, Western University
No classification provided (evidence only). Condition: Uterine carcinosarcoma. Review status: no classification provided. Collection method: in vitro. Allele origin: not applicable. Functional consequence: retained intron. Not counted in ClinVar's aggregate classification.

NM_000337.6(SGCD):c.507G>A (p.Ala169=)

Gene: SGCD (sarcoglycan delta; plus strand). Cytogenetic location: 5q33.3.
Variant type: single nucleotide variant.
Coding change: c.507G>A on transcript NM_000337.6 (MANE Select); coding-DNA position 507, G replaced by A.
Protein change: p.Ala169=; no amino-acid change (alanine 169 retained).
Molecular consequence: synonymous variant.
Genome position (GRCh38, 1-based): chr5:156,647,468, G>A. VCF-style: chr5-156647468-G-A. GRCh37 (hg19) VCF-style: chr5-156074478-G-A.
Other names: p.Ala169=; c.504G>A, p.Ala168= (NM_001128209.2); c.507G>A, p.Ala169= (NM_172244.3).
Identifiers: ClinVar variation 48120 (VCV000048120.36), dbSNP rs10071079, ClinGen allele CA142634.